The following is an entry in ClinVar:

NM_001365951.3(KIF1B):c.3638C>A (p.Pro1213His)

Gene: KIF1B (kinesin family member 1B; plus strand). Cytogenetic location: 1p36.22.
Variant type: single nucleotide variant.
Coding change: c.3638C>A on transcript NM_001365951.3 (MANE Select); coding-DNA position 3638, C replaced by A.
Protein change: p.Pro1213His; replaces proline 1213 with histidine.
Molecular consequence: missense variant.
Genome position (GRCh38, 1-based): chr1:10,343,237, C>A. VCF-style: chr1-10343237-C-A. GRCh37 (hg19) VCF-style: chr1-10403295-C-A.
Other names: c.3638C>A, p.Pro1213His (NM_001365952.1); c.3500C>A, p.Pro1167His (NM_015074.3); short protein forms P1213H, P1167H.
Identifiers: ClinVar variation 1732066 (VCV001732066.2), dbSNP rs2521760302, ClinGen allele CA338342066.

ClinVar aggregate classification (germline): Uncertain significance (1 of 4 stars; one submission).

Submission:

Ambry Genetics
Classification: Uncertain significance. Last evaluated: 2022-06-01. Review status: criteria provided, single submitter. Criteria: Ambry Variant Classification Scheme 2023. Collection method: clinical testing. Allele origin: germline.
Comment: The p.P1167H variant (also known as c.3500C>A), located in coding exon 31 of the KIF1B gene, results from a C to A substitution at nucleotide position 3500. The proline at codon 1167 is replaced by histidine, an amino acid with similar properties. This amino acid position is well conserved in available vertebrate species. In addition, this alteration is predicted to be tolerated by in silico analysis. Since supporting evidence is limited at this time, the clinical significance of this alteration remains unclear.